The following is an entry in ClinVar:

ClinVar aggregate classification (germline): Pathogenic (1 of 4 stars; one submission).

Submission:

GeneDx
Classification: Pathogenic. Last evaluated: 2015-04-30. Review status: criteria provided, single submitter. Criteria: GeneDx Variant Classification (06012015). Collection method: clinical testing. Allele origin: germline. Affected: yes.
Comment: Although the c.8256delT deletion in the FBN1 gene has not been reported to our knowledge, this variant causes a shift in reading frame starting at codon Alanine 2754, changing it to a Glutamine, and creating apremature stop codon at position 25 of the new reading frame, denoted p.Ala2754GlnfsX25. This deletionreplaces the last 118 amino acids of the FBN1 protein with 24 incorrect amino acids. Other truncatingvariants in the FBN1 gene have been reported in HGMD in association with Marfan syndrome (Stenson P etal., 2014). Furthermore, the c.8256delT variant was not observed in approximately 6,500 individuals ofEuropean and African American ancestry in the NHLBI Exome Sequencing Project, indicating it is not acommon benign variant in these populations. In summary, c.8256delT in the FBN1 gene is interpreted as a pathogenic variant.

NM_000138.5(FBN1):c.8256del (p.Ala2754fs)

Gene: FBN1 (fibrillin 1; minus strand). Cytogenetic location: 15q21.1.
Variant type: Deletion.
Coding change: c.8256del on transcript NM_000138.5 (MANE Select); coding-DNA position 8256, one base deleted (T; older notation c.8256delT).
Protein change: p.Ala2754fs; shifts the reading frame from alanine 2754.
Molecular consequence: frameshift variant.
Genome position (GRCh38, 1-based): chr15:48,411,350, A deleted on the plus strand (T on the coding strand, the reverse complement: FBN1 is on the minus strand). VCF-style (leftmost placement, unchanged base first): chr15-48411349-GA-G. GRCh37 (hg19) VCF-style: chr15-48703546-GA-G.
Other names: c.8256delT (NM_000138.4); short protein forms A2754fs.
Identifiers: ClinVar variation 418893 (VCV000418893.2), dbSNP rs1064793503, ClinGen allele CA16619938.